The following is an entry in ClinVar:

NM_001009944.3(PKD1):c.7852G>A (p.Val2618Met)

Gene: PKD1 (polycystin 1, transient receptor potential channel interacting; minus strand). Cytogenetic location: 16p13.3.
Variant type: single nucleotide variant.
Coding change: c.7852G>A on transcript NM_001009944.3 (MANE Select); coding-DNA position 7852, G replaced by A.
Protein change: p.Val2618Met; replaces valine 2618 with methionine.
Molecular consequence: missense variant.
Genome position (GRCh38, 1-based): chr16:2,105,876, C>T on the plus strand (G>A on the coding strand, the complement: PKD1 is on the minus strand). VCF-style: chr16-2105876-C-T. GRCh37 (hg19) VCF-style: chr16-2155877-C-T.
Other names: c.7852G>A, p.Val2618Met (NM_000296.4); short protein forms V2618M.
Identifiers: ClinVar variation 2411074 (VCV002411074.3), dbSNP rs376969316, ClinGen allele CA7830882.

ClinVar aggregate classification (germline): Uncertain significance. Review status: criteria provided, multiple submitters, no conflicts (2 of 4 stars). 2 submissions from 2 submitters: Uncertain significance (2). Last evaluated 2025-09-26.

Conditions:
PKD1-related disorder. Also called: PKD1-related condition.
Inborn genetic diseases. Identifiers: MedGen C0950123, MeSH D030342.

Allele frequency attached by ClinVar (database versions not stated): ExAC 0.00003; gnomAD 0.00006; TOPMed 0.00007; 1000 Genomes Project 0.00040; 1000 Genomes Project 30x 0.00062.
gnomAD v4.1: 33 of 1,596,120 alleles (0.0021%); highest among the groups gnomAD compares: East Asian, 0.02%; no homozygotes.

Submissions (2):

PreventionGenetics, part of Exact Sciences
Classification: Uncertain significance for PKD1-related condition. Last evaluated: 2025-09-26. Review status: criteria provided, single submitter. Criteria: ACMG Guidelines, 2015. Collection method: clinical testing. Allele origin: germline.
Comment: The PKD1 c.7852G>A variant is predicted to result in the amino acid substitution p.Val2618Met. To our knowledge, this variant has not been reported in the literature. Of note, a different substitution (c.7853T>A, p.Val2618Glu) at the same codon, which is absent in gnomAD, was reported in an individual with autosomal dominant polycystic kidney disease (ADPKD) (Table S2, Kurashige et al. 2015. PubMed ID: 24611717). The c.7852G>A (p.Val2618Met) variant is reported in 0.031% of alleles in individuals of East Asian descent in gnomAD. Although we suspect that this variant may be benign, at this time, the clinical significance of this variant is uncertain due to the absence of conclusive functional and genetic evidence.

Ambry Genetics
Classification: Uncertain significance for Inborn genetic diseases. Last evaluated: 2022-07-26. Review status: criteria provided, single submitter. Criteria: Ambry Variant Classification Scheme 2023. Collection method: clinical testing. Allele origin: germline.